The following is an entry in ClinVar:

ClinVar aggregate classification (germline): Uncertain significance (1 of 4 stars; one submission).

Conditions:
Hereditary cancer-predisposing syndrome. Also called: Neoplastic Syndromes, Hereditary; Hereditary Cancer Syndrome; Tumor predisposition; Hereditary neoplastic syndrome. Identifiers: Orphanet 140162, MedGen C0027672, MeSH D009386, MONDO:0015356.

Submission:

Ambry Genetics
Classification: Uncertain significance for Hereditary cancer-predisposing syndrome. Last evaluated: 2022-11-05. Review status: criteria provided, single submitter. Criteria: Ambry Variant Classification Scheme 2023. Collection method: clinical testing. Allele origin: germline.
Comment: The p.L205V variant (also known as c.613T>G), located in coding exon 6 of the PRKAR1A gene, results from a T to G substitution at nucleotide position 613. The leucine at codon 205 is replaced by valine, an amino acid with highly similar properties. This amino acid position is conserved. In addition, this alteration is predicted to be deleterious by in silico analysis. Since supporting evidence is limited at this time, the clinical significance of this alteration remains unclear.

NM_002734.5(PRKAR1A):c.613T>G (p.Leu205Val)

Gene: PRKAR1A (protein kinase cAMP-dependent type I regulatory subunit alpha; plus strand). Cytogenetic location: 17q24.2.
Variant type: single nucleotide variant.
Coding change: c.613T>G on transcript NM_002734.5 (MANE Select); coding-DNA position 613, T replaced by G.
Protein change: p.Leu205Val; replaces leucine 205 with valine.
Molecular consequence: missense variant.
Genome position (GRCh38, 1-based): chr17:68,525,817, T>G. VCF-style: chr17-68525817-T-G. GRCh37 (hg19) VCF-style: chr17-66521958-T-G.
Other names: c.613T>G, p.Leu205Val (NM_001276289.2, NM_001276290.1, NM_001278433.2 and 4 more transcripts); short protein forms L205V.
Identifiers: ClinVar variation 2447608 (VCV002447608.2), dbSNP rs2509419006, ClinGen allele CA400753191.